The following is an entry in ClinVar:

ClinVar aggregate classification (germline): Uncertain significance (1 of 4 stars; one submission).

Submission:

Labcorp Genetics (formerly Invitae), Labcorp
Classification: Uncertain significance. Last evaluated: 2023-10-13. Review status: criteria provided, single submitter. Criteria: Invitae Variant Classification Sherloc (09022015). Collection method: clinical testing. Allele origin: germline.
Comment: This variant, c.9539_9541del, results in the deletion of 1 amino acid(s) of the KMT2A protein (p.Ile3180del), but otherwise preserves the integrity of the reading frame. This variant is not present in population databases (gnomAD no frequency). This variant has not been reported in the literature in individuals affected with KMT2A-related conditions. Experimental studies and prediction algorithms are not available or were not evaluated, and the functional significance of this variant is currently unknown. In summary, the available evidence is currently insufficient to determine the role of this variant in disease. Therefore, it has been classified as a Variant of Uncertain Significance.

NM_001197104.2(KMT2A):c.9539_9541del (p.Ile3180del)

Gene: KMT2A (lysine methyltransferase 2A; plus strand). Cytogenetic location: 11q23.3.
Variant type: Deletion.
Coding change: c.9539_9541del on transcript NM_001197104.2 (MANE Select); coding-DNA positions 9539 to 9541, 3 bases deleted (TCA; older notation c.9539_9541delTCA).
Protein change: p.Ile3180del; deletes isoleucine 3180.
Molecular consequence: inframe deletion.
Genome position (GRCh38, 1-based): chr11:118,505,431-118,505,433, TCA deleted; deleting any 3 consecutive bases within chr11:118,505,429-118,505,433 gives the same sequence; the c. name uses the placement nearest the transcript's 3' end. VCF-style (leftmost placement, unchanged base first): chr11-118505428-ACAT-A. GRCh37 (hg19) VCF-style: chr11-118376143-ACAT-A.
Other names: c.9629_9631del, p.Ile3210del (NM_001412597.1); c.9530_9532del, p.Ile3177del (NM_005933.4); short protein forms I3180del, I3210del, I3177del.
Identifiers: ClinVar variation 2956783 (VCV002956783.3), dbSNP rs2497020087, ClinGen allele CA2616265406.